The following is an entry in ClinVar:

ClinVar aggregate classification (germline): Uncertain significance (1 of 4 stars; one submission).

Allele frequency attached by ClinVar (database versions not stated): TOPMed below 0.00001; ExAC 0.00001.
gnomAD v4.1: 2 of 1,589,532 alleles (0.00013%); highest among the groups gnomAD compares: Admixed American, 0.0034%; no homozygotes.

Submission:

Labcorp Genetics (formerly Invitae), Labcorp
Classification: Uncertain significance. Last evaluated: 2022-10-27. Review status: criteria provided, single submitter. Criteria: Invitae Variant Classification Sherloc (09022015). Collection method: clinical testing. Allele origin: germline.
Comment: This variant has not been reported in the literature in individuals affected with SPRY4-related conditions. This variant is present in population databases (rs764464746, gnomAD 0.003%). This sequence change replaces histidine, which is basic and polar, with asparagine, which is neutral and polar, at codon 110 of the SPRY4 protein (p.His110Asn). Algorithms developed to predict the effect of missense changes on protein structure and function (SIFT, PolyPhen-2, Align-GVGD) all suggest that this variant is likely to be disruptive. In summary, the available evidence is currently insufficient to determine the role of this variant in disease. Therefore, it has been classified as a Variant of Uncertain Significance.

NM_001127496.3(SPRY4):c.259C>A (p.His87Asn)

Gene: SPRY4 (sprouty RTK signaling antagonist 4; minus strand). Cytogenetic location: 5q31.3.
Variant type: single nucleotide variant.
Coding change: c.259C>A on transcript NM_001127496.3 (MANE Select); coding-DNA position 259, C replaced by A.
Protein change: p.His87Asn; replaces histidine 87 with asparagine.
Molecular consequence: missense variant.
Genome position (GRCh38, 1-based): chr5:142,314,850, G>T on the plus strand (C>A on the coding strand, the complement: SPRY4 is on the minus strand). VCF-style: chr5-142314850-G-T. GRCh37 (hg19) VCF-style: chr5-141694415-G-T.
Other names: c.259C>A, p.His87Asn (NM_001293289.3, NM_001293290.3); c.328C>A, p.His110Asn (NM_030964.5); short protein forms H110N, H87N.
Identifiers: ClinVar variation 3003566 (VCV003003566.3), dbSNP rs764464746, ClinGen allele CA3485584.